The following is an entry in ClinVar:

NM_003124.5(SPR):c.654G>A (p.Met218Ile)

Gene: SPR (sepiapterin reductase; plus strand). Cytogenetic location: 2p13.2.
Variant type: single nucleotide variant.
Coding change: c.654G>A on transcript NM_003124.5 (MANE Select); coding-DNA position 654, G replaced by A.
Protein change: p.Met218Ile; replaces methionine 218 with isoleucine.
Molecular consequence: missense variant.
Genome position (GRCh38, 1-based): chr2:72,891,405, G>A. VCF-style: chr2-72891405-G-A. GRCh37 (hg19) VCF-style: chr2-73118534-G-A.
Other names: short protein forms M218I.
Identifiers: ClinVar variation 574213 (VCV000574213.12), dbSNP rs150078285, ClinGen allele CA1709014.

ClinVar aggregate classification (germline): Uncertain significance. Review status: criteria provided, multiple submitters, no conflicts (2 of 4 stars). 5 submissions from 5 submitters: Uncertain significance (5). Last evaluated 2024-10-10.

Conditions:
Inborn genetic diseases. Identifiers: MedGen C0950123, MeSH D030342.
Dopa-responsive dystonia due to sepiapterin reductase deficiency. Also called: DYT-SPR; Sepiapterin reductase deficiency; SPR DEFICIENCY. Identifiers: Orphanet 70594, MedGen C0268468, MONDO:0012994, OMIM 612716.
Dystonic disorder. Also called: Dystonia. Identifiers: MedGen C0013421, MONDO:0003441, HP:0001332.

Allele frequency attached by ClinVar (database versions not stated): ExAC 0.00010; gnomAD exomes 0.00010 and 0.00027; TOPMed 0.00012; gnomAD 0.00013 and 0.00014; ESP Exome Variant Server 0.00031.

Submissions (5):

Blueprint Genetics
Classification: Uncertain significance. Last evaluated: 2024-10-10. Review status: criteria provided, single submitter. Criteria: ACMG Guidelines, 2015. Collection method: clinical testing. Allele origin: germline.

Labcorp Genetics (formerly Invitae), Labcorp
Classification: Uncertain significance for Dystonic disorder. Last evaluated: 2022-07-31. Review status: criteria provided, single submitter. Criteria: Invitae Variant Classification Sherloc (09022015). Collection method: clinical testing. Allele origin: germline.
Comment: This sequence change replaces methionine, which is neutral and non-polar, with isoleucine, which is neutral and non-polar, at codon 218 of the SPR protein (p.Met218Ile). This variant is present in population databases (rs150078285, gnomAD 0.02%). This variant has not been reported in the literature in individuals affected with SPR-related conditions. ClinVar contains an entry for this variant (Variation ID: 574213). Algorithms developed to predict the effect of missense changes on protein structure and function (SIFT, PolyPhen-2, Align-GVGD) all suggest that this variant is likely to be tolerated. In summary, the available evidence is currently insufficient to determine the role of this variant in disease. Therefore, it has been classified as a Variant of Uncertain Significance.

Ambry Genetics
Classification: Uncertain significance for Inborn genetic diseases. Last evaluated: 2021-09-17. Review status: criteria provided, single submitter. Criteria: Ambry Variant Classification Scheme 2023. Collection method: clinical testing. Allele origin: germline.

Fulgent Genetics
Classification: Uncertain significance for Dopa-responsive dystonia due to sepiapterin reductase deficiency. Last evaluated: 2021-09-01. Review status: criteria provided, single submitter. Criteria: ACMG Guidelines, 2015. Collection method: clinical testing. Allele origin: unknown.

Department of Pathology and Laboratory Medicine, Sinai Health System
Classification: Uncertain significance for Dopa-responsive dystonia due to sepiapterin reductase deficiency. Last evaluated: 2020-05-06. Review status: criteria provided, single submitter. Criteria: ACMG Guidelines, 2015. Collection method: research. Allele origin: germline.